The following is an entry in ClinVar:

NM_000432.4(MYL2):c.380C>T (p.Ala127Val)

Gene: MYL2 (myosin light chain 2; minus strand). Cytogenetic location: 12q24.11.
Variant type: single nucleotide variant.
Coding change: c.380C>T on transcript NM_000432.4 (MANE Select); coding-DNA position 380, C replaced by T.
Protein change: p.Ala127Val; replaces alanine 127 with valine.
Molecular consequence: missense variant.
Genome position (GRCh38, 1-based): chr12:110,913,118, G>A on the plus strand (C>T on the coding strand, the complement: MYL2 is on the minus strand). VCF-style: chr12-110913118-G-A. GRCh37 (hg19) VCF-style: chr12-111350922-G-A.
Other names: p.Ala127Val; short protein forms A127V.
Identifiers: ClinVar variation 409235 (VCV000409235.19), dbSNP rs141878747, ClinGen allele CA042393.

ClinVar aggregate classification (germline): Uncertain significance. Review status: criteria provided, multiple submitters, no conflicts (2 of 4 stars). 8 submissions from 8 submitters: Uncertain significance (8). Last evaluated 2026-07-29.

Conditions:
MYL2-related disorder. Also called: MYL2-related disorders; MYL2-related condition; MYL2-related disease.
Cardiovascular phenotype. Identifiers: MedGen CN230736.
Cardiomyopathy (CMYO). Also called: Cardiomyopathies. Identifiers: Orphanet 167848, MedGen C0878544, MONDO:0004994, HP:0001638. Inheritance: Various modes of inheritance.
Hypertrophic cardiomyopathy 10. Also called: CARDIOMYOPATHY, HYPERTROPHIC, MID-LEFT VENTRICULAR CHAMBER TYPE, 2; MYL2-Related Familial Hypertrophic Cardiomyopathy. Identifiers: MedGen C1834460, MONDO:0012112, OMIM 608758.
Hypertrophic cardiomyopathy. Also called: HYPERTROPHIC MYOCARDIOPATHY. Identifiers: Orphanet 217569, MedGen C0007194, MeSH D002312, MONDO:0005045, HP:0001639.

Allele frequency attached by ClinVar (database versions not stated): ExAC 0.00002; gnomAD 0.00002; gnomAD exomes 0.00002 and 0.00003; TOPMed 0.00002; ESP Exome Variant Server 0.00008.
gnomAD v4.1: 39 of 1,614,058 alleles (0.0024%); highest among the groups gnomAD compares: Non-Finnish European, 0.0031%; no homozygotes.

Submissions (8):

PreventionGenetics, part of Exact Sciences
Classification: Uncertain significance for MYL2-related condition. Last evaluated: 2026-07-29. Review status: criteria provided, single submitter. Criteria: ACMG Guidelines, 2015. Collection method: clinical testing. Allele origin: germline.
Comment: The MYL2 c.380C>T variant is predicted to result in the amino acid substitution p.Ala127Val. This variant has been reported as a variant of uncertain significance in a cohort of individuals referred for genetic testing of cardiomyopathy and/or arrhythmia; however, detailed clinical information was not available (Supplement 2, Dellefave-Castillo et al. 2022. PubMed ID: 35947370). This variant is reported in 0.0070% of alleles in individuals of European (Non-Finnish) descent in gnomAD. At this time, the clinical significance of this variant is uncertain due to the absence of conclusive functional and genetic evidence.

Labcorp Genetics (formerly Invitae), Labcorp
Classification: Uncertain significance for Hypertrophic cardiomyopathy 10. Last evaluated: 2025-10-29. Review status: criteria provided, single submitter. Criteria: Invitae Variant Classification Sherloc (09022015). Collection method: clinical testing. Allele origin: germline.
Comment: This sequence change replaces alanine, which is neutral and non-polar, with valine, which is neutral and non-polar, at codon 127 of the MYL2 protein (p.Ala127Val). This variant is present in population databases (rs141878747, gnomAD 0.007%). This variant has not been reported in the literature in individuals affected with MYL2-related conditions. ClinVar contains an entry for this variant (Variation ID: 409235). An algorithm developed to predict the effect of missense changes on protein structure and function (PolyPhen-2) suggests that this variant is likely to be tolerated. In summary, the available evidence is currently insufficient to determine the role of this variant in disease. Therefore, it has been classified as a Variant of Uncertain Significance.

Ambry Genetics
Classification: Uncertain significance for Cardiovascular phenotype. Last evaluated: 2025-06-10. Review status: criteria provided, single submitter. Criteria: Ambry Variant Classification Scheme 2023. Collection method: clinical testing. Allele origin: germline.
Comment: The p.A127V variant (also known as c.380C>T), located in coding exon 6 of the MYL2 gene, results from a C to T substitution at nucleotide position 380. The alanine at codon 127 is replaced by valine, an amino acid with similar properties. This amino acid position is well conserved in available vertebrate species. In addition, the in silico prediction for this alteration is inconclusive. Based on the available evidence, the clinical significance of this variant remains unclear.

GeneDx
Classification: Uncertain significance. Last evaluated: 2024-10-08. Review status: criteria provided, single submitter. Criteria: GeneDx Variant Classification Process June 2021. Collection method: clinical testing. Allele origin: germline.
Comment: Has not been previously published as pathogenic or benign to our knowledge; In silico analysis supports that this missense variant has a deleterious effect on protein structure/function

All of Us Research Program, National Institutes of Health
Classification: Uncertain significance for Hypertrophic cardiomyopathy. Last evaluated: 2024-07-20. Review status: criteria provided, single submitter. Criteria: ACMG Guidelines, 2015. Collection method: clinical testing. Allele origin: germline. Inheritance: Autosomal dominant inheritance. Observed: 5 variant alleles, 5 heterozygotes.
Comment: This missense variant replaces alanine with valine at codon 127 of the MYL2 protein. Computational prediction suggests that this variant may not impact protein structure and function (internally defined REVEL score threshold <= 0.5, PMID: 27666373). To our knowledge, functional studies have not been reported for this variant. This variant has not been reported in individuals affected with MYL2-related disorders in the literature. This variant has been identified in 8/251492 chromosomes in the general population by the Genome Aggregation Database (gnomAD). The available evidence is insufficient to determine the role of this variant in disease conclusively. Therefore, this variant is classified as a Variant of Uncertain Significance.

This study involves interpretation of variants in research participants for the purpose of population health screening. Participant phenotype was not available at the time of variant classification. Additional details can be found in publication PMID: 35346344, PMCID: PMC8962531

Color Diagnostics, LLC DBA Color Health
Classification: Uncertain significance for Cardiomyopathy. Last evaluated: 2024-02-18. Review status: criteria provided, single submitter. Criteria: ACMG Guidelines, 2015. Collection method: clinical testing. Allele origin: germline.
Comment: This missense variant replaces alanine with valine at codon 127 of the MYL2 protein. Computational prediction suggests that this variant may not impact protein structure and function (internally defined REVEL score threshold <= 0.5, PMID: 27666373). To our knowledge, functional studies have not been reported for this variant. This variant has not been reported in individuals affected with MYL2-related disorders in the literature. This variant has been identified in 8/251492 chromosomes in the general population by the Genome Aggregation Database (gnomAD). The available evidence is insufficient to determine the role of this variant in disease conclusively. Therefore, this variant is classified as a Variant of Uncertain Significance.

Mayo Clinic Laboratories, Mayo Clinic
Classification: Uncertain significance. Last evaluated: 2022-10-19. Review status: criteria provided, single submitter. Criteria: ACMG Guidelines, 2015. Collection method: clinical testing. Allele origin: germline. Observed: 1 variant allele.

Revvity Omics, Revvity
Classification: Uncertain significance. Last evaluated: 2019-05-15. Review status: criteria provided, single submitter. Criteria: ACMG Guidelines, 2015. Collection method: clinical testing. Allele origin: germline.